The following is an entry in ClinVar:

ClinVar aggregate classification (germline): Uncertain significance (1 of 4 stars; one submission).

Conditions:
Familial episodic pain syndrome with predominantly lower limb involvement. Also called: Episodic pain syndrome, familial, 3. Identifiers: Orphanet 391384, Orphanet 391392, MedGen C3809899, MONDO:0014247, OMIM 615552.
Hereditary sensory and autonomic neuropathy type 7. Also called: HSAN VII; Neuropathy, hereditary sensory and autonomic, type VII. Identifiers: Orphanet 391397, MedGen C3809882, MONDO:0014244, OMIM 615548.

Allele frequency attached by ClinVar (database versions not stated): gnomAD exomes below 0.00001.
gnomAD v4.1: 1 of 1,610,224 alleles (0.000062%); highest among the groups gnomAD compares: Non-Finnish European, 0.000085%; no homozygotes.

Submission:

Labcorp Genetics (formerly Invitae), Labcorp
Classification: Uncertain significance for Familial episodic pain syndrome with predominantly lower limb involvement; Hereditary sensory and autonomic neuropathy type 7. Last evaluated: 2019-11-14. Review status: criteria provided, single submitter. Criteria: Invitae Variant Classification Sherloc (09022015). Collection method: clinical testing. Allele origin: germline.
Comment: This sequence change creates a premature translational stop signal (p.Gln1014*) in the SCN11A gene. It is expected to result in an absent or disrupted protein product. This variant is not present in population databases (ExAC no frequency). This variant has not been reported in the literature in individuals with SCN11A-related conditions. Algorithms developed to predict the effect of sequence changes on RNA splicing suggest that this variant may create or strengthen a splice site, but this prediction has not been confirmed by published transcriptional studies. The current clinical and genetic evidence is not sufficient to establish whether loss-of-function variants in SCN11A cause disease. In summary, the available evidence is currently insufficient to determine the role of this variant in disease. Therefore, it has been classified as a Variant of Uncertain Significance.

NM_001349253.2(SCN11A):c.3040C>T (p.Gln1014Ter)

Gene: SCN11A (sodium voltage-gated channel alpha subunit 11; minus strand). Cytogenetic location: 3p22.2.
Variant type: single nucleotide variant.
Coding change: c.3040C>T on transcript NM_001349253.2 (MANE Select); coding-DNA position 3040, C replaced by T.
Protein change: p.Gln1014Ter; replaces glutamine 1014 with a stop codon.
Molecular consequence: nonsense.
Genome position (GRCh38, 1-based): chr3:38,885,312, G>A on the plus strand (C>T on the coding strand, the complement: SCN11A is on the minus strand). VCF-style: chr3-38885312-G-A. GRCh37 (hg19) VCF-style: chr3-38926803-G-A.
Other names: c.3040C>T, p.Gln1014Ter (NM_014139.3); short protein forms Q1014*.
Identifiers: ClinVar variation 959607 (VCV000959607.6), dbSNP rs2065377554, ClinGen allele CA352173549.